The following is an entry in ClinVar:

ClinVar aggregate classification (germline): Conflicting classifications of pathogenicity. Review status: criteria provided, conflicting classifications (1 of 4 stars). 6 submissions from 6 submitters: Likely pathogenic (2); Uncertain significance (4). Last evaluated 2026-06-30.

Conditions:
Rare genetic deafness. Identifiers: Orphanet 96210, MedGen C5680250.
SLC26A4-related disorder. Also called: SLC26A4-related condition; SLC26A4-related disorders.
Autosomal recessive nonsyndromic hearing loss 4 (DFNB4). Also called: Nonsyndromic enlarged vestibular aqueduct (NSEVA); Deafness, autosomal recessive 4, with enlarged vestibular aqueduct; FOXI1-Related Pendred Syndrome; KCNJ10-Related Pendred Syndrome; NEUROSENSORY NONSYNDROMIC RECESSIVE DEAFNESS 4; Deafness, autosomal recessive 4. Identifiers: Orphanet 90636, MedGen C3538946, MONDO:0010933, OMIM 600791.
Pendred syndrome (PDS). Also called: Pendred's syndrome; THYROID DYSHORMONOGENESIS 2B; THYROID HORMONOGENESIS, GENETIC DEFECT IN, 2B; Pendred Syndrome (PDS); DEAFNESS WITH GOITER; GOITER-DEAFNESS SYNDROME. Identifiers: Orphanet 705, MedGen C0271829, MONDO:0010134, OMIM 274600.

Allele frequency attached by ClinVar (database versions not stated): gnomAD 0.00006; TOPMed 0.00014.

Submissions (6):

Women's Health and Genetics/Laboratory Corporation of America, LabCorp
Classification: Uncertain significance. Last evaluated: 2026-06-30. Review status: criteria provided, single submitter. Criteria: LabCorp Variant Classification Summary - May 2015. Collection method: clinical testing. Allele origin: germline.
Comment: Variant summary: SLC26A4 c.-4+5G>A is located in the untranscribed region upstream of the SLC26A4 gene region. Several computational tools predict a significant impact on normal splicing: Four predict the variant weakens a canonical 5' donor site. However, these predictions have yet to be confirmed by functional studies. The frequency of this variant in the general population could not be determined as the technology used for large population databases (ExAC, gnomAD, ESP, 1000G) cannot detect variants of this type. The available data on variant occurrences in the general population are insufficient to allow any conclusion about variant significance. To our knowledge, no occurrence of c.-4+5G>A in individuals affected with SLC26A4-related conditions and no experimental evidence demonstrating its impact on protein function have been reported. ClinVar contains an entry for this variant (Variation ID: 165245). Based on the evidence outlined above, the variant was classified as uncertain significance.

PreventionGenetics, part of Exact Sciences
Classification: Uncertain significance for SLC26A4-related condition. Last evaluated: 2026-05-27. Review status: criteria provided, single submitter. Criteria: ACMG Guidelines, 2015. Collection method: clinical testing. Allele origin: germline.
Comment: The SLC26A4 c.-4+5G>A variant is located in the 5' untranslated region. This variant is located in the 5' untranslated region and is predicted to impact splicing based on available splicing prediction programs (SpliceAI, Jaganathan et al. 2019. PubMed ID: 30661751). To our knowledge, this variant has not been reported in the literature but has been reported in ClinVar as being likely in trans to a second pathogenic variant in a patient with hearing loss and enlarged vestibular aqueduct (Variation ID: 165245). This variant is reported in 0.24% of alleles in individuals of Latino descent, and in 2 of ~31,000 total alleles in the gnomAD database. Although we suspect that this variant may be pathogenic, at this time, the clinical significance of this variant is uncertain due to the absence of conclusive functional and genetic evidence.

Blueprint Genetics
Classification: Uncertain significance. Last evaluated: 2023-10-25. Review status: criteria provided, single submitter. Criteria: ACMG Guidelines, 2015. Collection method: clinical testing. Allele origin: germline.

King Laboratory, University of Washington
Classification: Likely pathogenic for Deafness, autosomal recessive 4. Last evaluated: 2023-02-28. Review status: criteria provided, single submitter. Criteria: Li et al. (Genet Med. 2022). Collection method: research. Allele origin: unknown. Affected: yes.
Comment: This variant is a single base pair substitution within the 5’ UTR that is predicted to interfere with normal splicing. As of January 2023, this variant has been reported to ClinVar as likely pathogenic and is found in 2 heterozygotes on gnomAD. Based on compound heterozygosity with a loss-of-function variant, consistently predicted functional effect, and goodness of fit of genotype to phenotype, we conclude that this variant is likely pathogenic.

Department of Pathology and Laboratory Medicine, Sinai Health System
Classification: Uncertain significance for Pendred syndrome. Last evaluated: 2022-02-11. Review status: criteria provided, single submitter. Criteria: ACMG Guidelines, 2015. Collection method: research. Allele origin: germline.

Laboratory for Molecular Medicine, Mass General Brigham Personalized Medicine
Classification: Likely pathogenic for Rare genetic deafness. Last evaluated: 2014-06-17. Review status: criteria provided, single submitter. Criteria: LMM Criteria. Collection method: clinical testing. Allele origin: germline. Inheritance: Autosomal recessive inheritance. Observed: 1 variant allele.
Comment: In addition, this variant has not bee n identified in large population studies and is located in the 5' splice region. Computational tools suggest a possible impact to splicing; though this informat ion is not predictive enough to determine pathogenicity. In summary, this varia nt is likely pathogenic.

Literature cited by the submitters: PubMed 36633841 (cited by King Laboratory, University of Washington).

NM_000441.2(SLC26A4):c.-4+5G>A

Genes: SLC26A4 (solute carrier family 26 member 4; plus strand), SLC26A4-AS1 (SLC26A4 antisense RNA 1; minus strand). Cytogenetic location: 7q22.3.
Variant type: single nucleotide variant.
Coding change: c.-4+5G>A on transcript NM_000441.2 (MANE Select); 5 bases into the intron after 4 bases upstream of the start codon, G replaced by A.
Molecular consequence: intron variant.
Genome position (GRCh38, 1-based): chr7:107,660,860, G>A. VCF-style: chr7-107660860-G-A. GRCh37 (hg19) VCF-style: chr7-107301305-G-A.
Identifiers: ClinVar variation 165245 (VCV000165245.13), dbSNP rs727503425, ClinGen allele CA273224.